The following is an entry in ClinVar:

ClinVar aggregate classification (germline): Uncertain significance. Review status: criteria provided, multiple submitters, no conflicts (2 of 4 stars). 2 submissions from 2 submitters: Uncertain significance (2). Last evaluated 2023-08-14.

Allele frequency attached by ClinVar (database versions not stated): gnomAD 0.00001; gnomAD exomes 0.00001; TOPMed 0.00003.
gnomAD v4.1: 7 of 1,614,120 alleles (0.00043%); highest among the groups gnomAD compares: Admixed American, 0.0033%; no homozygotes.

Submissions (2):

Blueprint Genetics
Classification: Uncertain significance. Last evaluated: 2023-08-14. Review status: criteria provided, single submitter. Criteria: ACMG Guidelines, 2015. Collection method: clinical testing. Allele origin: germline.

Labcorp Genetics (formerly Invitae), Labcorp
Classification: Uncertain significance. Last evaluated: 2022-01-06. Review status: criteria provided, single submitter. Criteria: Invitae Variant Classification Sherloc (09022015). Collection method: clinical testing. Allele origin: germline.
Comment: In summary, the available evidence is currently insufficient to determine the role of this variant in disease. Therefore, it has been classified as a Variant of Uncertain Significance. Algorithms developed to predict the effect of missense changes on protein structure and function are either unavailable or do not agree on the potential impact of this missense change (SIFT: "Deleterious"; PolyPhen-2: "Probably Damaging"; Align-GVGD: "Class C0"). This variant has not been reported in the literature in individuals affected with MTHFD1-related conditions. This variant is present in population databases (no rsID available, gnomAD 0.0009%). This sequence change replaces valine, which is neutral and non-polar, with isoleucine, which is neutral and non-polar, at codon 698 of the MTHFD1 protein (p.Val698Ile).

NM_005956.4(MTHFD1):c.2092G>A (p.Val698Ile)

Gene: MTHFD1 (methylenetetrahydrofolate dehydrogenase, cyclohydrolase and formyltetrahydrofolate synthetase 1; plus strand). Cytogenetic location: 14q23.3.
Variant type: single nucleotide variant.
Coding change: c.2092G>A on transcript NM_005956.4 (MANE Select); coding-DNA position 2092, G replaced by A.
Protein change: p.Val698Ile; replaces valine 698 with isoleucine.
Molecular consequence: missense variant.
Genome position (GRCh38, 1-based): chr14:64,442,358, G>A. VCF-style: chr14-64442358-G-A. GRCh37 (hg19) VCF-style: chr14-64909076-G-A.
Other names: c.2092G>A, p.Val698Ile (NM_001364837.1); short protein forms V698I.
Identifiers: ClinVar variation 1486940 (VCV001486940.9), dbSNP rs530768829, ClinGen allele CA261848736.
Genomic context (GRCh38, chr14:64,442,358, plus strand): 5'-GAAAAGTTTTTTAACATCAAATGCCGGTATTCCGGCCTCTGCCCCCACGTGGTGGTGCTT[G>A]TTGCCACTGTCAGGGCTCTCAAGATGCACGGGGGCGGCCCCACGGTGAGTGGTGGGTTGA-3'
Protein context (NP_005947.3, residues 688-708): SGLCPHVVVL[Val698Ile]ATVRALKMHG